The following is an entry in ClinVar:

NM_004370.6(COL12A1):c.6410A>G (p.Asp2137Gly)

Gene: COL12A1 (collagen type XII alpha 1 chain; minus strand). Cytogenetic location: 6q13.
Variant type: single nucleotide variant.
Coding change: c.6410A>G on transcript NM_004370.6 (MANE Select); coding-DNA position 6410, A replaced by G.
Protein change: p.Asp2137Gly; replaces aspartic acid 2137 with glycine.
Molecular consequence: missense variant.
Genome position (GRCh38, 1-based): chr6:75,126,401, T>C on the plus strand (A>G on the coding strand, the complement: COL12A1 is on the minus strand). VCF-style: chr6-75126401-T-C. GRCh37 (hg19) VCF-style: chr6-75836117-T-C.
Other names: c.6410A>G, p.Asp2137Gly (NM_001424113.1); c.6389A>G, p.Asp2130Gly (NM_001424114.1); c.6137A>G, p.Asp2046Gly (NM_001424115.1); c.2918A>G, p.Asp973Gly (NM_001424116.1, NM_080645.3); c.6410A>G (NM_004370.5); short protein forms D2046G, D2130G, D2137G, D973G.
Identifiers: ClinVar variation 4537303 (VCV004537303.2).

ClinVar aggregate classification (germline): Uncertain significance. Review status: criteria provided, multiple submitters, no conflicts (2 of 4 stars). 2 submissions from 2 submitters: Uncertain significance (2). Last evaluated 2025-11-19.

Conditions:
Inborn genetic diseases. Identifiers: MedGen C0950123, MeSH D030342.

gnomAD v4.1: 5 of 1,611,766 alleles (0.00031%); highest among the groups gnomAD compares: Non-Finnish European, 0.00042%; no homozygotes.

Submissions (2):

Women's Health and Genetics/Laboratory Corporation of America, LabCorp
Classification: Uncertain significance. Last evaluated: 2025-11-19. Review status: criteria provided, single submitter. Criteria: LabCorp Variant Classification Summary - May 2015. Collection method: clinical testing. Allele origin: germline.
Comment: Variant summary: COL12A1 c.6410A>G (p.Asp2137Gly) results in a non-conservative amino acid change in the encoded protein sequence. Algorithms developed to predict the effect of missense changes on protein structure and function are either unavailable or do not agree on the potential impact of this missense change. The frequency data for this variant in gnomAD is considered unreliable, as metrics indicate poor data quality at this position. To our knowledge, no occurrence of c.6410A>G in individuals affected with COL12A1-related conditions and no experimental evidence demonstrating its impact on protein function have been reported. No submitters have cited clinical-significance assessments for this variant to ClinVar. Based on the evidence outlined above, the variant was classified as uncertain significance.

Ambry Genetics
Classification: Uncertain significance for Inborn genetic diseases. Last evaluated: 2025-11-03. Review status: criteria provided, single submitter. Criteria: Ambry Variant Classification Scheme 2023. Collection method: clinical testing. Allele origin: germline.
Comment: The c.6410A>G (p.D2137G) alteration is located in exon 39 (coding exon 38) of the COL12A1 gene. This alteration results from a A to G substitution at nucleotide position 6410, causing the aspartic acid (D) at amino acid position 2137 to be replaced by a glycine (G). Based on data from gnomAD, the G allele has an overall frequency of <0.001% (1/248788) total alleles studied. The highest observed frequency was 0.001% (1/112694) of European (non-Finnish) alleles. Based on insufficient or conflicting evidence, the clinical significance of this alteration remains unclear.